The following is an entry in ClinVar:

ClinVar aggregate classification (germline): Likely pathogenic (1 of 4 stars; one submission).

Conditions:
Metachromatic leukodystrophy (MLD). Also called: ARSA DEFICIENCY; CEREBROSIDE SULFATASE DEFICIENCY; Cerebral sclerosis diffuse metachromatic form; Arylsulfatase A Deficiency; METACHROMATIC LEUKOENCEPHALOPATHY; SULFATIDE LIPIDOSIS. Identifiers: Orphanet 512, MedGen C0023522, MONDO:0018868, OMIM 250100.

Submission:

Labcorp Genetics (formerly Invitae), Labcorp
Classification: Likely pathogenic for Metachromatic leukodystrophy. Last evaluated: 2019-07-24. Review status: criteria provided, single submitter. Criteria: Invitae Variant Classification Sherloc (09022015). Collection method: clinical testing. Allele origin: germline.
Comment: In summary, the currently available evidence indicates that the variant is pathogenic, but additional data are needed to prove that conclusively. Therefore, this variant has been classified as Likely Pathogenic. This variant disrupts the p.Pro428 amino acid residue in ARSA. Other variant(s) that disrupt this residue have been determined to be pathogenic (PMID: 11941485, 26462614, 9096767, 9090526). This suggests that this residue is clinically significant, and that variants that disrupt this residue are likely to be disease-causing. This variant has not been reported in the literature in individuals with ARSA-related conditions. This variant is not present in population databases (ExAC no frequency). This sequence change results in a premature translational stop signal in the ARSA gene (p.Ala424Leufs*35). While this is not anticipated to result in nonsense mediated decay, it is expected to disrupt the last 86 amino acids of the ARSA protein.

Literature cited by the submitters: PubMed 11941485; PubMed 26462614; PubMed 9096767; PubMed 9090526.

NM_000487.6(ARSA):c.1269del (p.Ala424fs)

Gene: ARSA (arylsulfatase A; minus strand). Cytogenetic location: 22q13.33.
Variant type: Deletion.
Coding change: c.1269del on transcript NM_000487.6 (MANE Select); coding-DNA position 1269, one base deleted (T; older notation c.1269delT).
Protein change: p.Ala424fs; shifts the reading frame from alanine 424.
Molecular consequence: frameshift variant.
Genome position (GRCh38, 1-based): chr22:50,625,406, A deleted on the plus strand (T on the coding strand, the reverse complement: ARSA is on the minus strand). VCF-style (leftmost placement, unchanged base first): chr22-50625405-CA-C. GRCh37 (hg19) VCF-style: chr22-51063833-CA-C.
Other names: c.1269del, p.Ala424fs (NM_001085425.3, NM_001085426.3, NM_001085427.3); c.1011del, p.Ala338fs (NM_001085428.3, NM_001362782.2); short protein forms A338fs, A424fs.
Identifiers: ClinVar variation 942897 (VCV000942897.9), dbSNP rs2082646919, ClinGen allele CA1139667191.